The following is an entry in ClinVar:

ClinVar aggregate classification (germline): Uncertain significance (1 of 4 stars; one submission).

gnomAD v4.1: 15 of 1,610,928 alleles (0.00093%); highest among the groups gnomAD compares: Non-Finnish European, 0.0013%; no homozygotes.

Submission:

Labcorp Genetics (formerly Invitae), Labcorp
Classification: Uncertain significance. Last evaluated: 2024-08-18. Review status: criteria provided, single submitter. Criteria: Invitae Variant Classification Sherloc (09022015). Collection method: clinical testing. Allele origin: germline.
Comment: This sequence change falls in intron 15 of the TAOK2 gene. It does not directly change the encoded amino acid sequence of the TAOK2 protein. It affects a nucleotide within the consensus splice site. This variant is present in population databases (rs747575202, gnomAD 0.003%). This variant has not been reported in the literature in individuals affected with TAOK2-related conditions. Variants that disrupt the consensus splice site are a relatively common cause of aberrant splicing (PMID: 17576681, 9536098). Algorithms developed to predict the effect of sequence changes on RNA splicing suggest that this variant is not likely to affect RNA splicing. In summary, the available evidence is currently insufficient to determine the role of this variant in disease. Therefore, it has been classified as a Variant of Uncertain Significance.

Literature cited by the submitters: PubMed 17576681; PubMed 9536098.

NM_016151.4(TAOK2):c.1992+6C>T

Gene: TAOK2 (TAO kinase 2; plus strand). Cytogenetic location: 16p11.2.
Variant type: single nucleotide variant.
Coding change: c.1992+6C>T on transcript NM_016151.4 (MANE Select); 6 bases into the intron after coding-DNA position 1992, C replaced by T.
Molecular consequence: intron variant.
Genome position (GRCh38, 1-based): chr16:29,985,867, C>T. VCF-style: chr16-29985867-C-T. GRCh37 (hg19) VCF-style: chr16-29997188-C-T.
Other names: c.1992+6C>T (NM_004783.4, NM_001252043.2).
Identifiers: ClinVar variation 3679633 (VCV003679633.2).
Genomic context (GRCh38, chr16:29,985,867, plus strand): 5'-CAAGCGCAAGATGTTGCTGGCTCGGCACAGCCTGGACCAGGACCTGCTGCGGGAGGTAGG[C>T]ATCCCAATCTCTGTTCCCCTCCCGCTCACTCGTGGATCCCAGGGACCCACCCTTTTCCAT-3'